The following is an entry in ClinVar:

ClinVar aggregate classification (germline): Pathogenic/Likely pathogenic. Review status: criteria provided, multiple submitters, no conflicts (2 of 4 stars). 3 submissions from 3 submitters: Pathogenic (1); Likely pathogenic (2). Last evaluated 2024-03-29.

Conditions:
Retinitis pigmentosa 45 (RP45). Identifiers: Orphanet 791, MedGen C3151066, MONDO:0013413, OMIM 613767.

Submissions (3):

Fulgent Genetics
Classification: Likely pathogenic for Retinitis pigmentosa 45. Last evaluated: 2024-03-29. Review status: criteria provided, single submitter. Criteria: ACMG Guidelines, 2015. Collection method: clinical testing. Allele origin: germline.

CeGaT Center for Human Genetics Tuebingen
Classification: Pathogenic. Last evaluated: 2019-03-01. Review status: criteria provided, single submitter. Criteria: CeGaT Center For Human Genetics Tuebingen Variant Classification Criteria Version 2. Collection method: clinical testing. Allele origin: germline. Affected: yes. Observed: 1 variant allele.

GeneDx
Classification: Likely pathogenic. Last evaluated: 2017-03-17. Review status: criteria provided, single submitter. Criteria: GeneDx Variant Classification (06012015). Collection method: clinical testing. Allele origin: germline. Affected: yes.
Comment: The c.1120_1121+2delGAGT variant in the CNGB1 gene has not been reported previously as a pathogenic variant nor as a benign variant, to our knowledge. This splice site variant destroys the canonical splice donor site in intron 14 and is predicted to cause abnormal gene splicing. The c.1120_1121+2delGAGT variant is not observed in large population cohorts (Lek et al., 2016; 1000 Genomes Consortium et al., 2015; Exome Variant Server). We interpret c.1120_1121+2delGAGT as a strong candidate for a pathogenic variant; however, the possibility it may be a rare benign variant cannot be completely excluded.

NM_001297.5(CNGB1):c.1120_1121+2del

Gene: CNGB1 (cyclic nucleotide gated channel subunit beta 1; minus strand). Cytogenetic location: 16q21.
Variant type: Deletion.
Coding change: c.1120_1121+2del on transcript NM_001297.5 (MANE Select); coding-DNA position 1120 through the canonical splice donor site of the intron after coding-DNA position 1121, 4 bases deleted (GAGT; older notation c.1120_1121+2delGAGT).
Molecular consequence: splice donor variant.
Genome position (GRCh38, 1-based): chr16:57,949,351-57,949,354, ACTC deleted on the plus strand (GAGT on the coding strand, the reverse complement: CNGB1 is on the minus strand); deleting any 4 consecutive bases within chr16:57,949,351-57,949,355 gives the same sequence; the c. name uses the placement nearest the transcript's 3' end. VCF-style (leftmost placement, unchanged base first): chr16-57949350-TACTC-T. GRCh37 (hg19) VCF-style: chr16-57983254-TACTC-T.
Other names: c.1102_1103+2del (NM_001286130.2); c.1120_1121+2delGAGT (NM_001297.4).
Identifiers: ClinVar variation 424380 (VCV000424380.44), dbSNP rs778884136, ClinGen allele CA8083553.